The following is an entry in ClinVar:

ClinVar aggregate classification (germline): Uncertain significance (1 of 4 stars; one submission).

Conditions:
Emery-Dreifuss muscular dystrophy (EDMD). Also called: Scapuloperoneal syndrome, X-linked (formerly); Humeroperoneal neuromuscular disease, (formerly). Identifiers: Orphanet 261, MedGen C0410189, MONDO:0016830.

gnomAD v4.1: 43 of 1,613,130 alleles (0.0027%); highest among the groups gnomAD compares: Middle Eastern, 0.017%; no homozygotes.

Submission:

Labcorp Genetics (formerly Invitae), Labcorp
Classification: Uncertain significance for Emery-Dreifuss muscular dystrophy. Last evaluated: 2024-03-21. Review status: criteria provided, single submitter. Criteria: Invitae Variant Classification Sherloc (09022015). Collection method: clinical testing. Allele origin: germline.
Comment: This sequence change replaces arginine, which is basic and polar, with glutamine, which is neutral and polar, at codon 396 of the SUN1 protein (p.Arg396Gln). This variant is present in population databases (rs368932237, gnomAD 0.01%). This variant has not been reported in the literature in individuals affected with SUN1-related conditions. Algorithms developed to predict the effect of missense changes on protein structure and function output the following: SIFT: "Not Available"; PolyPhen-2: "Benign"; Align-GVGD: "Not Available". The glutamine amino acid residue is found in multiple mammalian species, which suggests that this missense change does not adversely affect protein function. In summary, the available evidence is currently insufficient to determine the role of this variant in disease. Therefore, it has been classified as a Variant of Uncertain Significance.

NM_001130965.3(SUN1):c.1187G>A (p.Arg396Gln)

Gene: SUN1 (Sad1 and UNC84 domain containing 1; plus strand). Cytogenetic location: 7p22.3.
Variant type: single nucleotide variant.
Coding change: c.1187G>A on transcript NM_001130965.3 (MANE Select); coding-DNA position 1187, G replaced by A.
Protein change: p.Arg396Gln; replaces arginine 396 with glutamine.
Molecular consequence: missense variant. On other transcripts: non-coding transcript variant (3).
Genome position (GRCh38, 1-based): chr7:853,542, G>A. VCF-style: chr7-853542-G-A. GRCh37 (hg19) VCF-style: chr7-893179-G-A.
Other names: c.1469G>A, p.Arg490Gln (NM_001367641.1, NM_001367682.1); c.1172G>A, p.Arg391Gln (NM_001367642.1); c.1379G>A, p.Arg460Gln (NM_001367643.1); c.1118G>A, p.Arg373Gln (NM_001367644.1); c.1148G>A, p.Arg383Gln (NM_001367645.1, NM_001367689.1, NM_001367667.1); c.1316G>A, p.Arg439Gln (NM_001367646.1); c.1229G>A, p.Arg410Gln (NM_001367647.1, NM_001367668.1); c.1049G>A, p.Arg350Gln (NM_001367648.1); and 38 more; short protein forms R207Q, R279Q, R340Q, R412Q, R423Q, R460Q, R499Q, R526Q.
Identifiers: ClinVar variation 3670163 (VCV003670163.2).
Genomic context (GRCh38, chr7:853,542, plus strand): 5'-GCCACCACCATGGTGAGAATCTCCGAGAGCTGACCACTTTGCTACAGAAGCTGCAGGCTC[G>A]GGTGGACCAGATGGAAGGCGGCGCTGCCGGGCCGTCAGCTTCGGTCAGAGACGCTGTGGG-3'
Protein context (NP_001124437.1, residues 386-406): LTTLLQKLQA[Arg396Gln]VDQMEGGAAG